The following is an entry in ClinVar:

ClinVar aggregate classification (germline): Likely pathogenic (1 of 4 stars; one submission).

Conditions:
Autosomal dominant Alport syndrome (ATS3A). Also called: ALPORT SYNDROME 3A, AUTOSOMAL DOMINANT; Alport syndrome dominant type; Renal failure and sensorineural hearing loss. Identifiers: Orphanet 63, Orphanet 88918, MedGen C5882663, MONDO:0007086, OMIM 104200.

Submission:

OLLIN Analises Genomicas, OLLIN
Classification: Likely pathogenic for Autosomal dominant Alport syndrome. Last evaluated: 2026-08-06. Review status: criteria provided, single submitter. Criteria: ACMG Guidelines 2015 PMID 25741868. Collection method: clinical testing. Allele origin: germline. Inheritance: Autosomal dominant inheritance.
Comment: This frameshift variant, located in exon 32 (of 52), is absent from gnomAD and ClinVar and has not been identified in the literature. This variant causes a frameshift and introduces a premature stop codon, which is predicted to result in either a truncated protein or degradation of the mRNA via nonsense-mediated decay (NMD). According to the currently available evidence, this variant has been classified as likely pathogenic (PVS1, PM2_P).

NM_000091.5(COL4A3):c.2624del (p.Tyr875fs)

Genes: COL4A3 (collagen type IV alpha 3 chain; plus strand), MFF-DT (MFF divergent transcript; minus strand). Cytogenetic location: 2q36.3.
Variant type: Deletion.
Coding change: c.2624del on transcript NM_000091.5 (MANE Select); coding-DNA position 2624, one base deleted (A; older notation c.2624delA).
Protein change: p.Tyr875fs; shifts the reading frame from tyrosine 875.
Molecular consequence: frameshift variant.
Genome position (GRCh38, 1-based): chr2:227,282,500, A deleted. VCF-style (leftmost placement, unchanged base first): chr2-227282499-TA-T. GRCh37 (hg19) VCF-style: chr2-228147215-TA-T.
Other names: short protein forms Y875fs.
Identifiers: ClinVar variation 5003031 (VCV005003031.1).